The following is an entry in ClinVar:

ClinVar aggregate classification (germline): Conflicting classifications of pathogenicity. Review status: criteria provided, conflicting classifications (1 of 4 stars). 7 submissions from 7 submitters: Likely pathogenic (4); Uncertain significance (3). Last evaluated 2026-09-12.

Conditions:
EPHB4-related disorder. Also called: EPHB4-related disorders; EPHB4-related condition.
Capillary malformation-arteriovenous malformation 2 (CMAVM2). Identifiers: Orphanet 693912, MedGen C4748670, MONDO:0020785, OMIM 618196.

Allele frequency attached by ClinVar (database versions not stated): gnomAD exomes below 0.00001; TOPMed below 0.00001; gnomAD 0.00001.
gnomAD v4.1: 3 of 1,613,940 alleles (0.00019%); highest among the groups gnomAD compares: Non-Finnish European, 0.00017%; no homozygotes.

Submissions (7):

GeneDx
Classification: Likely pathogenic. Last evaluated: 2026-09-12. Review status: criteria provided, single submitter. Criteria: GeneDx Variant Classification Process June 2021. Collection method: clinical testing. Allele origin: germline.
Comment: In silico analysis supports that this missense variant has a deleterious effect on protein structure/function; Not observed at significant frequency in large population cohorts (gnomAD); This variant is associated with the following publications: (PMID: 30819650, 35014097, 28687708, Gazzin2024[review])

Labcorp Genetics (formerly Invitae), Labcorp
Classification: Uncertain significance. Last evaluated: 2026-01-19. Review status: criteria provided, single submitter. Criteria: Invitae Variant Classification Sherloc (09022015). Collection method: clinical testing. Allele origin: germline.
Comment: This sequence change replaces alanine, which is neutral and non-polar, with threonine, which is neutral and polar, at codon 725 of the EPHB4 protein (p.Ala725Thr). This variant is present in population databases (no rsID available, gnomAD 0.01%). This missense change has been observed in individual(s) with capillary malformations (PMID: 28687708). ClinVar contains an entry for this variant (Variation ID: 691532). Invitae Evidence Modeling of protein sequence and biophysical properties (such as structural, functional, and spatial information, amino acid conservation, physicochemical variation, residue mobility, and thermodynamic stability) indicates that this missense variant is expected to disrupt EPHB4 protein function with a positive predictive value of 95%. In summary, the available evidence is currently insufficient to determine the role of this variant in disease. Therefore, it has been classified as a Variant of Uncertain Significance.

3billion
Classification: Uncertain significance for Capillary malformation-arteriovenous malformation 2. Last evaluated: 2025-11-26. Review status: criteria provided, single submitter. Criteria: ACMG Guidelines, 2015. Collection method: clinical testing. Allele origin: germline. Affected: yes.
Comment: The variant is observed at an extremely low frequency in the gnomAD v4.1.0 dataset (total allele frequency: <0.001%). Predicted Consequence/Location: Missense variant. The majority of the known disease-causing variants of this gene are variants expected to result in premature termination of the protein. In silico tool prediction suggests damaging effect of the variant on gene or gene product [REVEL: 0.96 (>=0.6, sensitivity 0.68 and specificity 0.92)]. The same nucleotide change resulting in the same amino acid change has been previously reported to be associated with EPHB4-related disorder (ClinVar ID: VCV000691532 /PMID: 28687708). Therefore, this variant is classified as VUS according to the recommendation of ACMG/AMP guideline.

Clinical Genomics Laboratory, Washington University in St. Louis
Classification: Likely pathogenic for Capillary malformation-arteriovenous malformation 2. Last evaluated: 2025-03-31. Review status: criteria provided, single submitter. Criteria: ACMG Guidelines, 2015. Collection method: clinical testing. Allele origin: germline. Affected: yes.
Comment: An EPHB4 c.2173G>A (p.Ala725Thr) variant was identified at a near heterozygous allelic fraction of 49.6%, a frequency that may be consistent with germline origin. This variant has been identified in two individuals with capillary malformation- arteriovenous malformation (CV-AVM) syndrome (Amyere M et al., PMID: 28687708; Nicholson CL et L., PMID: 35014097). It has been reported in the ClinVar database as a germline likely pathogenic variant by one submitter and a germline variant of uncertain significance by one submitter (ClinVar Variation ID: 691532). The EPHB4 c.2173G>A (p.Ala725Thr) variant is only observed on 3/1,613,940 alleles in the general population (gnomAD v.4.1.0), indicating it is not a common variant and resides within a region, the kinase domain, of EPHB4 that is defined as a critical functional domain (Kertesz N et al., PMID: 16322467; Amyere M et al., PMID: 28687708). Computational predictors indicate that the variant is damaging, evidence that correlates with impact on EPHB4 function. Based on available information and the ACMG/AMP guidelines for variant interpretation (Richards S et al., PMID: 25741868), this variant is classified as likely pathogenic.

Blueprint Genetics
Classification: Likely pathogenic for EPHB4-related disorders. Last evaluated: 2024-09-25. Review status: criteria provided, single submitter. Criteria: ACMG Guidelines, 2015. Collection method: clinical testing. Allele origin: germline. Affected: yes. Observed: 2 variant alleles.

Seattle Children's Hospital Molecular Genetics Laboratory, Seattle Children's Hospital
Classification: Likely pathogenic. Last evaluated: 2021-09-10. Review status: criteria provided, single submitter. Criteria: ACMG Guidelines, 2015. Collection method: clinical testing. Allele origin: germline. Affected: yes.
Comment: This variant has previously been reported in an individual with a capillary malformation (PMID: 28687708). This is an ultra-rare variant in large population studies (observed in 1 of 251,032 alleles, gnomAD v2.1.1.).

SIB Swiss Institute of Bioinformatics
Classification: Uncertain significance for Capillary malformation-arteriovenous malformation 2. Last evaluated: 2019-03-29. Review status: criteria provided, single submitter. Criteria: ACMG Guidelines, 2015. Collection method: curation. Allele origin: unknown.
Comment: This variant is interpreted as Uncertain significance for Capillary malformation-arteriovenous malformation 2. The following ACMG Tag(s) were applied: PM2-Supporting: Absent from controls (or at extremely low frequency if recessive) in Exome Sequencing Project, 1000 Genomes Project, or Exome Aggregation Consortium. PM1: Located in a mutational hot spot and/or critical and well-established functional domain (e.g.,active site of an enzyme) without benign variation. PP3: Multiple lines of computational evidence support a deleterious effect on the gene or gene product.

Literature cited by the submitters: PubMed 28687708 (cited by 3 submitters).

NM_004444.5(EPHB4):c.2173G>A (p.Ala725Thr)

Gene: EPHB4 (EPH receptor B4; minus strand). Cytogenetic location: 7q22.1.
Variant type: single nucleotide variant.
Coding change: c.2173G>A on transcript NM_004444.5 (MANE Select); coding-DNA position 2173, G replaced by A.
Protein change: p.Ala725Thr; replaces alanine 725 with threonine.
Molecular consequence: missense variant.
Genome position (GRCh38, 1-based): chr7:100,807,526, C>T on the plus strand (G>A on the coding strand, the complement: EPHB4 is on the minus strand). VCF-style: chr7-100807526-C-T. GRCh37 (hg19) VCF-style: chr7-100405148-C-T.
Other names: c.2173G>A (NM_004444.4); short protein forms A725T.
Identifiers: ClinVar variation 691532 (VCV000691532.8), dbSNP rs1159930961, ClinGen allele CA368569125.